The following is an entry in ClinVar:

NM_194248.3(OTOF):c.5036_5044delinsCCACA (p.Cys1679fs)

Genes: OTOF (otoferlin; minus strand), LOC112840921 (BRD4-independent group 4 enhancer GRCh37_chr2:26685720-26686919; plus strand). Cytogenetic location: 2p23.3.
Variant type: Indel.
Coding change: c.5036_5044delinsCCACA on transcript NM_194248.3 (MANE Select); coding-DNA positions 5036 to 5044, GCCGCCTGG replaced by CCACA.
Protein change: p.Cys1679fs; shifts the reading frame from cysteine 1679.
Molecular consequence: frameshift variant.
Genome position (GRCh38, 1-based): chr2:26,464,023-26,464,031, CCAGGCGGC replaced by TGTGG on the plus strand (GCCGCCTGG replaced by CCACA on the coding strand, the reverse complement: OTOF is on the minus strand). VCF-style: chr2-26464023-CCAGGCGGC-TGTGG. GRCh37 (hg19) VCF-style: chr2-26686891-CCAGGCGGC-TGTGG.
Other names: c.5036_5044delinsCCACA, p.Cys1679fs (NM_001287489.2); c.2735_2743delinsCCACA, p.Cys912fs (NM_004802.4, NM_194323.3); c.2966_2974delinsCCACA, p.Cys989fs (NM_194322.3); short protein forms C1679fs, C912fs, C989fs.
Identifiers: ClinVar variation 4879911 (VCV004879911.1).

ClinVar aggregate classification (germline): Pathogenic (0 of 4 stars; one submission).

Conditions:
Autosomal recessive nonsyndromic hearing loss 9. Also called: NEUROSENSORY NONSYNDROMIC RECESSIVE DEAFNESS 9; OTOF-Related Hearing Loss; Deafness, autosomal recessive 9; AUDITORY NEUROPATHY, AUTOSOMAL RECESSIVE, 1, TEMPERATURE-SENSITIVE. Identifiers: Orphanet 90636, MedGen C1832828, MONDO:0010986, OMIM 601071.

Submission:

Diagnosis and Treatment Center of Genetic Hearing Loss, Eye & ENT Hospital of Fudan University
Classification: Pathogenic for Autosomal recessive nonsyndromic hearing loss 9. Last evaluated: 2026-02-04. Review status: no assertion criteria provided. Collection method: clinical testing. Allele origin: germline. Inheritance: Autosomal recessive inheritance. Affected: yes.
Comment: The c.5036_5044delinsCCACA frameshift variant in OTOF leads to a premature stop codon and predicted NMD (PVS1). It is absent from population databases (PM2_Supporting). It was detected in trans with pathogenic c.1273C>T (PM3_Supporting).